The following is an entry in ClinVar:

ClinVar aggregate classification (germline): Uncertain significance (1 of 4 stars; one submission).

Conditions:
Inborn genetic diseases. Identifiers: MedGen C0950123, MeSH D030342.

Submission:

Ambry Genetics
Classification: Uncertain significance for Inborn genetic diseases. Last evaluated: 2025-10-25. Review status: criteria provided, single submitter. Criteria: Ambry Variant Classification Scheme 2023. Collection method: clinical testing. Allele origin: germline.
Comment: The p.M1228V variant (also known as c.3682A>G), located in coding exon 1 of the SAMD9 gene, results from an A to G substitution at nucleotide position 3682. The methionine at codon 1228 is replaced by valine, an amino acid with highly similar properties. This amino acid position is conserved. In addition, this alteration is predicted to be tolerated by in silico analysis. Based on the available evidence, the clinical significance of this variant remains unclear.

NM_017654.4(SAMD9):c.3682A>G (p.Met1228Val)

Gene: SAMD9 (sterile alpha motif domain containing 9; minus strand). Cytogenetic location: 7q21.2.
Variant type: single nucleotide variant.
Coding change: c.3682A>G on transcript NM_017654.4 (MANE Select); coding-DNA position 3682, A replaced by G.
Protein change: p.Met1228Val; replaces methionine 1228 with valine.
Molecular consequence: missense variant.
Genome position (GRCh38, 1-based): chr7:93,102,416, T>C on the plus strand (A>G on the coding strand, the complement: SAMD9 is on the minus strand). VCF-style: chr7-93102416-T-C. GRCh37 (hg19) VCF-style: chr7-92731729-T-C.
Other names: c.3682A>G, p.Met1228Val (NM_001193307.2); short protein forms M1228V.
Identifiers: ClinVar variation 4629897 (VCV004629897.1).